The following is an entry in ClinVar:

NM_001386298.1(CIC):c.1025C>A (p.Pro342His)

Gene: CIC (capicua transcriptional repressor; plus strand). Cytogenetic location: 19q13.2.
Variant type: single nucleotide variant.
Coding change: c.1025C>A on transcript NM_001386298.1 (MANE Select); coding-DNA position 1025, C replaced by A.
Protein change: p.Pro342His; replaces proline 342 with histidine.
Molecular consequence: missense variant.
Genome position (GRCh38, 1-based): chr19:42,272,808, C>A. VCF-style: chr19-42272808-C-A. GRCh37 (hg19) VCF-style: chr19-42776960-C-A.
Other names: c.1025C>A, p.Pro342His (NM_001304815.2, NM_001379480.1, NM_001379482.1 and 1 more transcripts); short protein forms P342H.
Identifiers: ClinVar variation 3250714 (VCV003250714.18), dbSNP rs2036836931.

ClinVar aggregate classification (germline): Uncertain significance (1 of 4 stars; one submission).

gnomAD v4.1: 1 of 399,040 alleles (0.00025%); highest among the groups gnomAD compares: Non-Finnish European, 0.00044%; no homozygotes.

Submission:

CeGaT Center for Human Genetics Tuebingen
Classification: Uncertain significance. Last evaluated: 2024-06-01. Review status: criteria provided, single submitter. Criteria: CeGaT Center For Human Genetics Tuebingen Variant Classification Criteria Version 2. Collection method: clinical testing. Allele origin: germline. Affected: yes. Observed: 1 variant allele.
Comment: CIC: PM2